The following is an entry in ClinVar:

ClinVar aggregate classification (germline): Conflicting classifications of pathogenicity. Review status: criteria provided, conflicting classifications (1 of 4 stars). 5 submissions from 5 submitters: Uncertain significance (2); Benign (1); Likely benign (1). 1 of the submissions does not count toward it. Last evaluated 2025-10-18.

Conditions:
KMT2D-related disorder. Also called: KMT2D-Related Disorders.
Kabuki syndrome. Also called: Kabuki make-up syndrome; NIIKAWA-KUROKI SYNDROME. Identifiers: Orphanet 2322, MedGen C0796004, MONDO:0016512.

Allele frequency attached by ClinVar (database versions not stated): gnomAD exomes 0.00002 and 0.00004; ExAC 0.00003; gnomAD 0.00008 and 0.00010; TOPMed 0.00023.

Submissions (5):

Labcorp Genetics (formerly Invitae), Labcorp
Classification: Benign for Kabuki syndrome. Last evaluated: 2025-10-18. Review status: criteria provided, single submitter. Criteria: Invitae Variant Classification Sherloc (09022015). Collection method: clinical testing. Allele origin: germline.

Women's Health and Genetics/Laboratory Corporation of America, LabCorp
Classification: Uncertain significance. Last evaluated: 2025-05-08. Review status: criteria provided, single submitter. Criteria: LabCorp Variant Classification Summary - May 2015. Collection method: clinical testing. Allele origin: germline.
Comment: Variant summary: KMT2D c.6821C>T (p.Ser2274Leu) results in a non-conservative amino acid change in the encoded protein sequence. Algorithms developed to predict the effect of missense changes on protein structure and function all suggest that this variant is likely to be disruptive. The variant allele was found at a frequency of 2.4e-05 in 247712 control chromosomes. The available data on variant occurrences in the general population are insufficient to allow any conclusion about variant significance. To our knowledge, no occurrence of c.6821C>T in individuals affected with Kabuki Syndrome 1 and no experimental evidence demonstrating its impact on protein function have been reported. ClinVar contains an entry for this variant (Variation ID: 1337826). Based on the evidence outlined above, the variant was classified as uncertain significance.

Genetic Services Laboratory, University of Chicago
Classification: Uncertain significance. Last evaluated: 2021-01-21. Review status: criteria provided, single submitter. Criteria: ACMG Guidelines, 2015. Collection method: clinical testing. Allele origin: germline. Affected: no.

Blueprint Genetics
Classification: Likely benign. Last evaluated: 2020-06-04. Review status: criteria provided, single submitter. Criteria: ACMG Guidelines, 2015. Collection method: clinical testing. Allele origin: germline.

PreventionGenetics, part of Exact Sciences
Classification: Likely benign for KMT2D-related condition. Last evaluated: 2022-09-07. Review status: no assertion criteria provided. Collection method: clinical testing. Allele origin: germline. Not counted in ClinVar's aggregate classification.
Comment: This variant is classified as likely benign based on ACMG/AMP sequence variant interpretation guidelines (Richards et al. 2015 PMID: 25741868, with internal and published modifications).

NM_003482.4(KMT2D):c.6821C>T (p.Ser2274Leu)

Gene: KMT2D (lysine methyltransferase 2D; minus strand). Cytogenetic location: 12q13.12.
Variant type: single nucleotide variant.
Coding change: c.6821C>T on transcript NM_003482.4 (MANE Select); coding-DNA position 6821, C replaced by T.
Protein change: p.Ser2274Leu; replaces serine 2274 with leucine.
Molecular consequence: missense variant.
Genome position (GRCh38, 1-based): chr12:49,040,949, G>A on the plus strand (C>T on the coding strand, the complement: KMT2D is on the minus strand). VCF-style: chr12-49040949-G-A. GRCh37 (hg19) VCF-style: chr12-49434732-G-A.
Other names: short protein forms S2274L.
Identifiers: ClinVar variation 1337826 (VCV001337826.15), dbSNP rs767236217, ClinGen allele CA6547173.
Genomic context (GRCh38, chr12:49,040,949, plus strand): 5'-GCCCCAAGCTCTTCCTTCTTCACCTCTAGGGCCTTCCGGGACTCCCCAAAAGGTGGGGGC[G>A]AGAGCAGGGGCTCGGAAGCTTTGCCTCCCCCTACCCCAGGGCTCTCAGGCACAGCCAAGT-3'
Protein context (NP_003473.3, residues 2264-2284): GGGKASEPLL[Ser2274Leu]PPPFGESRKA